The following is an entry in ClinVar:

NM_018979.4(WNK1):c.4083C>A (p.Ser1361Arg)

Gene: WNK1 (WNK lysine deficient protein kinase 1; plus strand). Cytogenetic location: 12p13.33.
Variant type: single nucleotide variant.
Coding change: c.4083C>A on transcript NM_018979.4 (MANE Select); coding-DNA position 4083, C replaced by A.
Protein change: p.Ser1361Arg; replaces serine 1361 with arginine.
Molecular consequence: missense variant.
Genome position (GRCh38, 1-based): chr12:884,887, C>A. VCF-style: chr12-884887-C-A. GRCh37 (hg19) VCF-style: chr12-994053-C-A.
Other names: c.4863C>A, p.Ser1621Arg (NM_001184985.2); c.3342C>A, p.Ser1114Arg (NM_014823.3); c.4839C>A, p.Ser1613Arg (NM_213655.5); short protein forms S1361R, S1621R, S1114R, S1613R.
Identifiers: ClinVar variation 1365745 (VCV001365745.8), dbSNP rs2154083979, ClinGen allele CA383330527.

ClinVar aggregate classification (germline): Uncertain significance (1 of 4 stars; one submission).

Conditions:
Neuropathy, hereditary sensory and autonomic, type 2A (HSAN2A). Also called: ACROOSTEOLYSIS, GIACCAI TYPE; ACROOSTEOLYSIS, NEUROGENIC; MORVAN DISEASE; NEUROPATHY, CONGENITAL SENSORY; NEUROPATHY, HEREDITARY SENSORY RADICULAR, AUTOSOMAL RECESSIVE; NEUROPATHY, HEREDITARY SENSORY, TYPE IIA. Identifiers: Orphanet 970, MedGen C2752089, MONDO:0024309, OMIM 201300.
Pseudohypoaldosteronism type 2C (PHA2C). Also called: Pseudohypoaldosteronism Type IIC. Identifiers: Orphanet 757, Orphanet 88940, MedGen C1840391, MONDO:0013778, OMIM 614492.

Submission:

Labcorp Genetics (formerly Invitae), Labcorp
Classification: Uncertain significance for Neuropathy, hereditary sensory and autonomic, type 2A; Pseudohypoaldosteronism type 2C. Last evaluated: 2021-07-04. Review status: criteria provided, single submitter. Criteria: Invitae Variant Classification Sherloc (09022015). Collection method: clinical testing. Allele origin: germline.
Comment: This sequence change replaces serine with arginine at codon 1613 of the WNK1 protein (p.Ser1613Arg). The serine residue is moderately conserved and there is a moderate physicochemical difference between serine and arginine. This variant is not present in population databases (ExAC no frequency). This variant has not been reported in the literature in individuals affected with WNK1-related conditions. Advanced modeling of protein sequence and biophysical properties (such as structural, functional, and spatial information, amino acid conservation, physicochemical variation, residue mobility, and thermodynamic stability) performed at Invitae indicates that this missense variant is not expected to disrupt WNK1 protein function. In summary, the available evidence is currently insufficient to determine the role of this variant in disease. Therefore, it has been classified as a Variant of Uncertain Significance.